The following is an entry in ClinVar:

NM_013450.4(BAZ2B):c.3586A>G (p.Ser1196Gly)

Gene: BAZ2B (bromodomain adjacent to zinc finger domain 2B; minus strand). Cytogenetic location: 2q24.2.
Variant type: single nucleotide variant.
Coding change: c.3586A>G on transcript NM_013450.4 (MANE Select); coding-DNA position 3586, A replaced by G.
Protein change: p.Ser1196Gly; replaces serine 1196 with glycine.
Molecular consequence: missense variant.
Genome position (GRCh38, 1-based): chr2:159,385,255, T>C on the plus strand (A>G on the coding strand, the complement: BAZ2B is on the minus strand). VCF-style: chr2-159385255-T-C. GRCh37 (hg19) VCF-style: chr2-160241766-T-C.
Other names: c.3478A>G, p.Ser1160Gly (NM_001289975.1); c.3424A>G, p.Ser1142Gly (NM_001329857.2); c.3511A>G, p.Ser1171Gly (NM_001329858.2); short protein forms S1171G, S1142G, S1160G, S1196G.
Identifiers: ClinVar variation 4989642 (VCV004989642.1).
Genomic context (GRCh38, chr2:159,385,255, plus strand): 5'-AAGCCAGGACTGAAGCTTTCTGTGCTGGAGTGTGAGCCTGAAAAGCTTTGGTCTTCAGAC[T>C]TTCAGTAAGCTCAGTTTGTCCACAGTGGGCTTCCATAAATATCTGTAAAATCTCGGAAAC-3'
Protein context (NP_038478.2, residues 1186-1206): AHCGQTELTE[Ser1196Gly]LKTKAFQAHT

ClinVar aggregate classification (germline): Uncertain significance (1 of 4 stars; one submission).

Conditions:
BAZ2B-related disorder. Also called: BAZ2B-related condition.

gnomAD v4.1: 1 of 1,613,590 alleles (0.000062%); highest among the groups gnomAD compares: Admixed American, 0.0017%; no homozygotes.

Submission:

PreventionGenetics, part of Exact Sciences
Classification: Uncertain significance for BAZ2B-related condition. Last evaluated: 2025-09-25. Review status: criteria provided, single submitter. Criteria: ACMG Guidelines, 2015. Collection method: clinical testing. Allele origin: germline.
Comment: The BAZ2B c.3478A>G variant is predicted to result in the amino acid substitution p.Ser1160Gly. To our knowledge, this variant has not been reported in the literature. This variant is reported in 0.0029% of alleles in individuals of Latino descent in gnomAD. At this time, the clinical significance of this variant is uncertain due to the absence of conclusive functional and genetic evidence.